The following is an entry in ClinVar:

NM_001110556.2(FLNA):c.3920C>A (p.Thr1307Asn)

Gene: FLNA (filamin A; minus strand). Cytogenetic location: Xq28.
Variant type: single nucleotide variant.
Coding change: c.3920C>A on transcript NM_001110556.2 (MANE Select); coding-DNA position 3920, C replaced by A.
Protein change: p.Thr1307Asn; replaces threonine 1307 with asparagine.
Molecular consequence: missense variant.
Genome position (GRCh38, 1-based): chrX:154,359,791, G>T on the plus strand (C>A on the coding strand, the complement: FLNA is on the minus strand). VCF-style: chrX-154359791-G-T. GRCh37 (hg19) VCF-style: chrX-153588159-G-T.
Other names: c.3920C>A, p.Thr1307Asn (NM_001456.4); short protein forms T1307N.
Identifiers: ClinVar variation 3753989 (VCV003753989.2).
Genomic context (GRCh38, chrX:154,359,791, plus strand): 5'-CCCTCCTCGTAAGGCGTGTACTCCACTTTGTACATGCCATCGCCACGGTCCTGAACGTAG[G>T]TCTCCGTCAGGTTGCCTGAGGGGTTGGCCACACGGGCCTTGACGTGCGGCCCTCCGGTCT-3'
Protein context (NP_001104026.1, residues 1297-1317): VANPSGNLTE[Thr1307Asn]YVQDRGDGMY

ClinVar aggregate classification (germline): Uncertain significance (1 of 4 stars; one submission).

Conditions:
Melnick-Needles syndrome (MNS). Also called: MELNICK-NEEDLES OSTEODYSPLASTY; OSTEODYSPLASTY OF MELNICK AND NEEDLES; Melnick-Needles Syndrome (FLNA-MNS). Identifiers: Orphanet 2484, MedGen C0025237, MONDO:0010650, OMIM 309350.
Frontometaphyseal dysplasia (FMD1). Identifiers: Orphanet 1826, MedGen C0265293, MONDO:0015942.
Heterotopia, periventricular, X-linked dominant (PVNH1). Also called: PERIVENTRICULAR NODULAR HETEROTOPIA 1; X-linked periventricular heterotopia; PERIVENTRICULAR NODULAR HETEROTOPIA 4; HETEROTOPIA, PERIVENTRICULAR, 1. Identifiers: Orphanet 2149, Orphanet 82004, MedGen C1848213, MONDO:0010233, OMIM 300049.
Oto-palato-digital syndrome, type II (OPD2). Also called: FACIOPALATOOSSEOUS SYNDROME; OPD II SYNDROME; Otopalatodigital Syndrome, Type II; Otopalatodigital Syndrome Type 2 (FLNA-OPD2). Identifiers: Orphanet 669, Orphanet 90652, MedGen C1844696, MONDO:0010571, OMIM 304120.

Submission:

Labcorp Genetics (formerly Invitae), Labcorp
Classification: Uncertain significance for Oto-palato-digital syndrome, type II; Heterotopia, periventricular, X-linked dominant; Frontometaphyseal dysplasia; Melnick-Needles syndrome. Last evaluated: 2024-05-23. Review status: criteria provided, single submitter. Criteria: Invitae Variant Classification Sherloc (09022015). Collection method: clinical testing. Allele origin: germline.
Comment: This sequence change replaces threonine, which is neutral and polar, with asparagine, which is neutral and polar, at codon 1307 of the FLNA protein (p.Thr1307Asn). This variant is not present in population databases (gnomAD no frequency). This variant has not been reported in the literature in individuals affected with FLNA-related conditions. Advanced modeling of protein sequence and biophysical properties (such as structural, functional, and spatial information, amino acid conservation, physicochemical variation, residue mobility, and thermodynamic stability) performed at Invitae indicates that this missense variant is not expected to disrupt FLNA protein function with a negative predictive value of 95%. In summary, the available evidence is currently insufficient to determine the role of this variant in disease. Therefore, it has been classified as a Variant of Uncertain Significance.